The following is an entry in ClinVar:

ClinVar aggregate classification (germline): Likely benign. Review status: criteria provided, single submitter (1 of 4 stars). 2 submissions from 2 submitters: Likely benign (1). 1 of the submissions does not count toward it. Last evaluated 2024-12-31.

Conditions:
VPS13B-related disorder. Also called: VPS13B-related condition.
Cohen syndrome (COH1). Also called: Cutis verticis gyrata, retinitis pigmentosa, and sensorineural deafness; PEPPER SYNDROME. Identifiers: Orphanet 193, MedGen C0265223, MONDO:0008999, OMIM 216550.

Allele frequency attached by ClinVar (database versions not stated): TOPMed below 0.00001; gnomAD 0.00001; gnomAD exomes 0.00001.
gnomAD v4.1: 12 of 1,611,896 alleles (0.00074%); highest among the groups gnomAD compares: Non-Finnish European, 0.001%; no homozygotes.

Submissions (2):

Labcorp Genetics (formerly Invitae), Labcorp
Classification: Likely benign for Cohen syndrome. Last evaluated: 2024-12-31. Review status: criteria provided, single submitter. Criteria: Invitae Variant Classification Sherloc (09022015). Collection method: clinical testing. Allele origin: germline.

PreventionGenetics, part of Exact Sciences
Classification: Likely benign for VPS13B-related condition. Last evaluated: 2024-05-01. Review status: no assertion criteria provided. Collection method: clinical testing. Allele origin: germline. Not counted in ClinVar's aggregate classification.
Comment: This variant is classified as likely benign based on ACMG/AMP sequence variant interpretation guidelines (Richards et al. 2015 PMID: 25741868, with internal and published modifications).

NM_152564.5(VPS13B):c.2333+10A>G

Gene: VPS13B (vacuolar protein sorting 13 homolog B; plus strand). Cytogenetic location: 8q22.2.
Variant type: single nucleotide variant.
Coding change: c.2333+10A>G on transcript NM_152564.5 (MANE Select); 10 bases into the intron after coding-DNA position 2333, A replaced by G.
Molecular consequence: intron variant.
Genome position (GRCh38, 1-based): chr8:99,170,173, A>G. VCF-style: chr8-99170173-A-G. GRCh37 (hg19) VCF-style: chr8-100182401-A-G.
Other names: c.2333+10A>G (NM_017890.5, NM_015243.3, NM_152564.4).
Identifiers: ClinVar variation 1106315 (VCV001106315.10), dbSNP rs933132905, ClinGen allele CA182904063.